The following is an entry in ClinVar:

NM_005562.3(LAMC2):c.497_501dup (p.Arg168fs)

Gene: LAMC2 (laminin subunit gamma 2; plus strand). Cytogenetic location: 1q25.3.
Variant type: Duplication.
Coding change: c.497_501dup on transcript NM_005562.3 (MANE Select); coding-DNA positions 497 to 501, 5 bases duplicated (GTGAT; older notation c.497_501dupGTGAT).
Protein change: p.Arg168fs; shifts the reading frame from arginine 168.
Molecular consequence: frameshift variant.
Genome position (GRCh38, 1-based): chr1:183,218,482-183,218,486, GTGAT duplicated; duplicating any 5 consecutive bases within chr1:183,218,481-183,218,486 gives the same sequence; the c. name uses the placement nearest the transcript's 3' end. VCF-style (leftmost placement, unchanged base first): chr1-183218480-C-CTGTGA. GRCh37 (hg19) VCF-style: chr1-183187615-C-CTGTGA.
Other names: c.497_501dup, p.Arg168fs (NM_018891.3); short protein forms R168fs.
Identifiers: ClinVar variation 2694794 (VCV002694794.4), dbSNP rs2526020778, ClinGen allele CA2573963010.

ClinVar aggregate classification (germline): Pathogenic. Review status: criteria provided, multiple submitters, no conflicts (2 of 4 stars). 2 submissions from 2 submitters: Pathogenic (2). Last evaluated 2025-10-02.

Conditions:
Junctional epidermolysis bullosa. Identifiers: Orphanet 305, MedGen C0079301, MONDO:0017612.

Submissions (2):

Myriad Genetics, Inc.
Classification: Pathogenic for Junctional epidermolysis bullosa. Last evaluated: 2025-10-02. Review status: criteria provided, single submitter. Criteria: Myriad Autosomal Dominant, Autosomal Recessive and X-Linked Classification Criteria (2023). Collection method: clinical testing. Allele origin: unknown.
Comment: NM_005562.2(LAMC2):c.497_501dup5(R168Vfs*81) is a frameshift variant classified as pathogenic in the context of junctional epidermolysis bullosa, LAMC2-related. R168Vfs*81 has been observed in a case with relevant disease (PMID: 38463656). Relevant functional assessments of this variant are not available in the literature. R168Vfs*81 has not been observed in referenced population frequency databases. In summary, NM_005562.2(LAMC2):c.497_501dup5(R168Vfs*81) is a frameshift variant in a gene where loss of function is a known mechanism of disease, is predicted to disrupt protein function, and has been observed more frequently in cases with the relevant disease than in healthy populations. Please note: this variant was assessed in the context of healthy population screening.

Labcorp Genetics (formerly Invitae), Labcorp
Classification: Pathogenic. Last evaluated: 2023-11-10. Review status: criteria provided, single submitter. Criteria: Invitae Variant Classification Sherloc (09022015). Collection method: clinical testing. Allele origin: germline.
Comment: This sequence change creates a premature translational stop signal (p.Arg168Valfs*81) in the LAMC2 gene. It is expected to result in an absent or disrupted protein product. Loss-of-function variants in LAMC2 are known to be pathogenic (PMID: 11907499, 16473856). This variant is not present in population databases (gnomAD no frequency). This variant has not been reported in the literature in individuals affected with LAMC2-related conditions. For these reasons, this variant has been classified as Pathogenic.

Literature cited by the submitters: PubMed 38463656 (cited by Myriad Genetics, Inc.); PubMed 11907499 (cited by Labcorp Genetics (formerly Invitae), Labcorp); PubMed 16473856 (cited by Labcorp Genetics (formerly Invitae), Labcorp).